The following is an entry in ClinVar:

ClinVar aggregate classification (germline): Likely pathogenic (1 of 4 stars; one submission).

Conditions:
Loeys-Dietz syndrome (LDS). Identifiers: Orphanet 60030, MedGen C2697932, MONDO:0018954.

Submission:

Molecular Genetics, Royal Melbourne Hospital
Classification: Likely pathogenic for Loeys-Dietz syndrome. Last evaluated: 2024-05-02. Review status: criteria provided, single submitter. Criteria: ACMG Guidelines, 2015. Collection method: clinical testing. Allele origin: germline. Inheritance: Autosomal dominant inheritance. Affected: yes.
Comment: This sequence change in TGFB3 occurs within the canonical splice donor site of intron 5. It is predicted to cause cryptic donor site activation in intron 5 (total 7 exons), resulting in a frameshift leading to nonsense-mediated decay in a gene in which loss of function is an established disease mechanism (PMID: 25835445, 23824657). This variant is absent from the population database gnomAD v4.1. To our knowledge, this variant is novel and has not been previously reported in the relevant scientific literature or databases. Based on the classification scheme RMH Modified ACMG/AMP Guidelines v1.6.1, this variant is classified as LIKELY PATHOGENIC. Following criteria are met: PVS1, PM2_Supporting.

Literature cited by the submitters: PubMed 23824657; PubMed 25835445.

NM_003239.5(TGFB3):c.926+2T>C

Gene: TGFB3 (transforming growth factor beta 3; minus strand). Cytogenetic location: 14q24.3.
Variant type: single nucleotide variant.
Coding change: c.926+2T>C on transcript NM_003239.5 (MANE Select); the canonical splice donor site of the intron after coding-DNA position 926, T replaced by C.
Molecular consequence: splice donor variant. On other transcripts: stop lost (1).
Genome position (GRCh38, 1-based): chr14:75,963,314, A>G on the plus strand (T>C on the coding strand, the complement: TGFB3 is on the minus strand). VCF-style: chr14-75963314-A-G. GRCh37 (hg19) VCF-style: chr14-76429657-A-G.
Other names: c.928T>C, p.Ter310Arg (NM_001329938.2); c.926+2T>C (NM_001329939.2).
Identifiers: ClinVar variation 3773759 (VCV003773759.1).